The following is an entry in ClinVar:

NM_022726.4(ELOVL4):c.163C>T (p.Leu55Phe)

Gene: ELOVL4 (ELOVL fatty acid elongase 4; minus strand). Cytogenetic location: 6q14.1.
Variant type: single nucleotide variant.
Coding change: c.163C>T on transcript NM_022726.4 (MANE Select); coding-DNA position 163, C replaced by T.
Protein change: p.Leu55Phe; replaces leucine 55 with phenylalanine.
Molecular consequence: missense variant.
Genome position (GRCh38, 1-based): chr6:79,926,319, G>A on the plus strand (C>T on the coding strand, the complement: ELOVL4 is on the minus strand). VCF-style: chr6-79926319-G-A. GRCh37 (hg19) VCF-style: chr6-80636036-G-A.
Other names: short protein forms L55F.
Identifiers: ClinVar variation 3009543 (VCV003009543.3), dbSNP rs1774342487, ClinGen allele CA364657537.

ClinVar aggregate classification (germline): Uncertain significance (1 of 4 stars; one submission).

Allele frequency attached by ClinVar (database versions not stated): gnomAD exomes 0.00001.

Submission:

Labcorp Genetics (formerly Invitae), Labcorp
Classification: Uncertain significance. Last evaluated: 2023-11-15. Review status: criteria provided, single submitter. Criteria: Invitae Variant Classification Sherloc (09022015). Collection method: clinical testing. Allele origin: germline.
Comment: This sequence change replaces leucine, which is neutral and non-polar, with phenylalanine, which is neutral and non-polar, at codon 55 of the ELOVL4 protein (p.Leu55Phe). This variant is not present in population databases (gnomAD no frequency). This variant has not been reported in the literature in individuals affected with ELOVL4-related conditions. Advanced modeling of protein sequence and biophysical properties (such as structural, functional, and spatial information, amino acid conservation, physicochemical variation, residue mobility, and thermodynamic stability) performed at Invitae indicates that this missense variant is not expected to disrupt ELOVL4 protein function with a negative predictive value of 80%. In summary, the available evidence is currently insufficient to determine the role of this variant in disease. Therefore, it has been classified as a Variant of Uncertain Significance.